The following is an entry in ClinVar:

NM_006009.4(TUBA1A):c.302A>G (p.Asn101Ser)

Gene: TUBA1A (tubulin alpha 1a; minus strand). Cytogenetic location: 12q13.12.
Variant type: single nucleotide variant.
Coding change: c.302A>G on transcript NM_006009.4 (MANE Select); coding-DNA position 302, A replaced by G.
Protein change: p.Asn101Ser; replaces asparagine 101 with serine.
Molecular consequence: missense variant.
Genome position (GRCh38, 1-based): chr12:49,186,383, T>C on the plus strand (A>G on the coding strand, the complement: TUBA1A is on the minus strand). VCF-style: chr12-49186383-T-C. GRCh37 (hg19) VCF-style: chr12-49580166-T-C.
Other names: c.302A>G, p.Asn101Ser (NM_001270399.2); c.197A>G, p.Asn66Ser (NM_001270400.2); c.302A>G (NM_006009.2); short protein forms N101S, N66S.
Identifiers: ClinVar variation 625515 (VCV000625515.6), dbSNP rs1565627526, ClinGen allele CA384643366.

ClinVar aggregate classification (germline): Pathogenic/Likely pathogenic. Review status: criteria provided, multiple submitters, no conflicts (2 of 4 stars). 5 submissions from 5 submitters: Pathogenic (4); Likely pathogenic (1). Last evaluated 2025-03-10.

Conditions:
TUBA1A-related disorder. Also called: TUBA1A-related condition.
Tubulinopathy. Also called: Tubulinopathies. Identifiers: MedGen CN850169, MONDO:0100153.
Lissencephaly due to TUBA1A mutation (CDCBM16). Also called: CORTICAL DYSPLASIA, COMPLEX, WITH OTHER BRAIN MALFORMATIONS 16; Lissencephaly 3. Identifiers: Orphanet 171680, MedGen C4305153, MONDO:0012703, OMIM 611603.

Submissions (5):

PreventionGenetics, part of Exact Sciences
Classification: Pathogenic for TUBA1A-related condition. Last evaluated: 2025-03-10. Review status: criteria provided, single submitter. Criteria: ACMG Guidelines, 2015. Collection method: clinical testing. Allele origin: germline.
Comment: The TUBA1A c.302A>G variant is predicted to result in the amino acid substitution p.Asn101Ser. This variant has been reported to be de novo in a fetus with microlissencephaly (Bahi-Buisson et al. 2014. PubMed ID: 24860126). A functional study of p.N101S using yeast models showed hypersensitivity and microtubule destabilization (Aiken et al. 2020. PubMed ID: 31574570). This variant has not been reported in a large population database (gnomAD), indicating this variant is rare. An alternate nucleotide change affecting the same amino acid (p.Asn101Lys) has been reported to be de novo in a child with bilateral perisylvian polymicrogyria, spastic diplegia and moderate intellectual disability (Järvelä et al. 2024. PubMed ID: 38712318). This variant is interpreted as pathogenic.

GeneDx
Classification: Pathogenic. Last evaluated: 2023-10-06. Review status: criteria provided, single submitter. Criteria: GeneDx Variant Classification Process June 2021. Collection method: clinical testing. Allele origin: germline. Affected: yes.
Comment: Published functional studies demonstrate a functionally abnormal effect on microtubule functioning (PMID: 31574570); Not observed at significant frequency in large population cohorts (gnomAD); Missense variants in this gene are a common cause of disease and they are underrepresented in the general population; In silico analysis supports that this missense variant has a deleterious effect on protein structure/function; This variant is associated with the following publications: (PMID: 34426522, 24860126, 31574570)

Genomic Medicine Lab, University of California San Francisco
Classification: Pathogenic for Lissencephaly due to TUBA1A mutation. Last evaluated: 2023-08-18. Review status: criteria provided, single submitter. Criteria: ACMG Guidelines, 2015. Collection method: clinical testing. Allele origin: de novo. Affected: no.

MGZ Medical Genetics Center
Classification: Likely pathogenic for Lissencephaly due to TUBA1A mutation. Last evaluated: 2021-12-03. Review status: criteria provided, single submitter. Criteria: ACMG Guidelines, 2015. Collection method: clinical testing. Allele origin: germline. Affected: yes. Observed: 1 variant allele.
Comment: ACMG criteria applied: PS2, PS4_SUP, PM2_SUP, PP2, PP3

Institute of Human Genetics, FAU Erlangen, Friedrich-Alexander-Universität Erlangen-Nürnberg
Classification: Pathogenic for Tubulinopathies. Last evaluated: 2018-07-01. Review status: criteria provided, single submitter. Criteria: ACMG Guidelines, 2015. Collection method: literature only. Allele origin: de novo. Affected: yes. Observed: 1 variant allele.
Comment: The c.302A>G, p.(Asn101Ser) variant has been reported as a variant of de novo origin. This variant and associated phenotype was previously reported by Bahi-Buisson et al. Brain, 2014 PMID: 24860126. Agyria (HP:0031882); Dysgenesis of the cerebellar vermis (HP:0002195); Hypoplasia of the pons (HP:0012110); Cerebellar dysplasia (HP:0007033); Gray matter heterotopia (HP:0002281); Microcephaly (HP:0000252)

Literature cited by the submitters: PubMed 30744660 (cited by Institute of Human Genetics, FAU Erlangen, Friedrich-Alexander-Universität Erlangen-Nürnberg); DOI 10.1101/427948 (cited by Institute of Human Genetics, FAU Erlangen, Friedrich-Alexander-Universität Erlangen-Nürnberg).